The following is an entry in ClinVar:

ClinVar aggregate classification (germline): Pathogenic/Likely pathogenic. Review status: criteria provided, multiple submitters, no conflicts (2 of 4 stars). 3 submissions from 3 submitters: Pathogenic (1); Likely pathogenic (1). 1 of the submissions does not count toward it. Last evaluated 2023-08-20.

Conditions:
Charcot-Marie-Tooth disease. Also called: Charcot-Marie-Tooth Neuropathy; Charcot-Marie-Tooth Hereditary Neuropathy. Identifiers: Orphanet 166, MedGen C0007959, MONDO:0015626.
Charcot-Marie-Tooth Neuropathy X. Identifiers: MedGen CN118851.

Submissions (3):

Labcorp Genetics (formerly Invitae), Labcorp
Classification: Pathogenic for Charcot-Marie-Tooth Neuropathy X. Last evaluated: 2023-08-20. Review status: criteria provided, single submitter. Criteria: Invitae Variant Classification Sherloc (09022015). Collection method: clinical testing. Allele origin: germline.
Comment: For these reasons, this variant has been classified as Pathogenic. This missense change has been observed in individuals with X-linked Charcot-Marie-Tooth disease (PMID: 9361298; Invitae). It has also been observed to segregate with disease in related individuals. ClinVar contains an entry for this variant (Variation ID: 420023). Advanced modeling of protein sequence and biophysical properties (such as structural, functional, and spatial information, amino acid conservation, physicochemical variation, residue mobility, and thermodynamic stability) performed at Invitae indicates that this missense variant is expected to disrupt GJB1 protein function. This sequence change replaces valine, which is neutral and non-polar, with glycine, which is neutral and non-polar, at codon 189 of the GJB1 protein (p.Val189Gly). This variant is not present in population databases (gnomAD no frequency).

GeneDx
Classification: Likely pathogenic. Last evaluated: 2017-03-14. Review status: criteria provided, single submitter. Criteria: GeneDx Variant Classification (06012015). Collection method: clinical testing. Allele origin: germline. Affected: yes.
Comment: A variant that is likely pathogenic has been identified in the GJB1 gene. The V189G variant has been previously reported as a pathogenic variant in an individual with CMTX1; however, no further information was provided (Bone et al., 1997). A different amino acid substitution a the same position (V189I) has also been reported in an individual with CMTX1; however, no further information was provided (Bone et al., 1997). The V189G variant is not observed in large population cohorts (Lek et al., 2016; 1000 Genomes Consortium et al., 2015; Exome Variant Server). This substitution occurs at a position in the extracellular topological domain where amino acids with similar properties to Valine are tolerated across species. In silico analysis predicts this variant is probably damaging to the protein structure/function. However, the V189G variant is a conservative amino acid substitution, which is not likely to impact secondary protein structure as these residues share similar properties.

Inherited Neuropathy Consortium
Classification: Uncertain significance for Charcot-Marie-Tooth disease. Review status: no assertion criteria provided. Collection method: literature only. Allele origin: germline. Affected: yes. Not counted in ClinVar's aggregate classification.

Literature cited by the submitters: PubMed 9361298 (cited by Labcorp Genetics (formerly Invitae), Labcorp and Inherited Neuropathy Consortium).

NM_000166.6(GJB1):c.566T>G (p.Val189Gly)

Gene: GJB1 (gap junction protein beta 1; plus strand). Cytogenetic location: Xq13.1.
Variant type: single nucleotide variant.
Coding change: c.566T>G on transcript NM_000166.6 (MANE Select); coding-DNA position 566, T replaced by G.
Protein change: p.Val189Gly; replaces valine 189 with glycine.
Molecular consequence: missense variant.
Genome position (GRCh38, 1-based): chrX:71,224,273, T>G. VCF-style: chrX-71224273-T-G. GRCh37 (hg19) VCF-style: chrX-70444123-T-G.
Other names: c.566T>G, p.Val189Gly (NM_001097642.3); short protein forms V189G.
Identifiers: ClinVar variation 420023 (VCV000420023.13), dbSNP rs1064794244, ClinGen allele CA16621493.
Genomic context (GRCh38, chrX:71,224,273, plus strand): 5'-ACGTCTACCCCTGCCCCAACACAGTGGACTGCTTCGTGTCCCGCCCCACCGAGAAAACCG[T>G]CTTCACCGTCTTCATGCTAGCTGCCTCTGGCATCTGCATCATCCTCAATGTGGCCGAGGT-3'
Protein context (NP_000157.1, residues 179-199): CFVSRPTEKT[Val189Gly]FTVFMLAASG